The following is an entry in ClinVar:

ClinVar aggregate classification (germline): Uncertain significance (1 of 4 stars; one submission).

Allele frequency attached by ClinVar (database versions not stated): TOPMed below 0.00001.

Submission:

Labcorp Genetics (formerly Invitae), Labcorp
Classification: Uncertain significance. Last evaluated: 2024-10-16. Review status: criteria provided, single submitter. Criteria: Invitae Variant Classification Sherloc (09022015). Collection method: clinical testing. Allele origin: germline.
Comment: This sequence change replaces threonine, which is neutral and polar, with serine, which is neutral and polar, at codon 2548 of the PCLO protein (p.Thr2548Ser). This variant is not present in population databases (gnomAD no frequency). This variant has not been reported in the literature in individuals affected with PCLO-related conditions. ClinVar contains an entry for this variant (Variation ID: 2131012). An algorithm developed to predict the effect of missense changes on protein structure and function outputs the following: PolyPhen-2: "Not Available". The serine amino acid residue is found in multiple mammalian species, which suggests that this missense change does not adversely affect protein function. In summary, the available evidence is currently insufficient to determine the role of this variant in disease. Therefore, it has been classified as a Variant of Uncertain Significance.

NM_033026.6(PCLO):c.7643C>G (p.Thr2548Ser)

Gene: PCLO (piccolo presynaptic cytomatrix protein; minus strand). Cytogenetic location: 7q21.11.
Variant type: single nucleotide variant.
Coding change: c.7643C>G on transcript NM_033026.6 (MANE Select); coding-DNA position 7643, C replaced by G.
Protein change: p.Thr2548Ser; replaces threonine 2548 with serine.
Molecular consequence: missense variant.
Genome position (GRCh38, 1-based): chr7:82,953,310, G>C on the plus strand (C>G on the coding strand, the complement: PCLO is on the minus strand). VCF-style: chr7-82953310-G-C. GRCh37 (hg19) VCF-style: chr7-82582626-G-C.
Other names: c.7643C>G, p.Thr2548Ser (NM_014510.3); short protein forms T2548S.
Identifiers: ClinVar variation 2131012 (VCV002131012.4), dbSNP rs899129109, ClinGen allele CA161146162.